The following is an entry in ClinVar:

NM_020911.2(PLXNA4):c.1372-87004A>G

Gene: PLXNA4 (plexin A4; minus strand). Cytogenetic location: 7q32.3.
Variant type: single nucleotide variant.
Coding change: c.1372-87004A>G on transcript NM_020911.2 (MANE Select); 87004 bases into the intron before coding-DNA position 1372, A replaced by G.
Molecular consequence: intron variant. On other transcripts: missense variant (1).
Genome position (GRCh38, 1-based): chr7:132,385,226, T>C on the plus strand (A>G on the coding strand, the complement: PLXNA4 is on the minus strand). VCF-style: chr7-132385226-T-C. GRCh37 (hg19) VCF-style: chr7-132069985-T-C.
Other names: c.1441A>G, p.Thr481Ala (NM_001105543.2); c.1372-87004A>G (NM_001393897.1); short protein forms T481A.
Identifiers: ClinVar variation 4984344 (VCV004984344.1).
Genomic context (GRCh38, chr7:132,385,226, plus strand): 5'-CTACACAGCTCTGAAGTTTTTCTCAGTTTGATGAACAGCTGGAGAACAGGAGTTCCAGAG[T>C]CACTGTTGCTCTGTGGGATCGGGGTCCCGTCTGTAGCTCAAGGGTAGGGCAGAGGCTGGT-3'

ClinVar aggregate classification (germline): Uncertain significance (1 of 4 stars; one submission).

Conditions:
PLXNA4-related disorder. Also called: PLXNA4-related condition.

gnomAD v4.1: 2 of 1,613,794 alleles (0.00012%); no homozygotes.

Submission:

PreventionGenetics, part of Exact Sciences
Classification: Uncertain significance for PLXNA4-related condition. Last evaluated: 2026-04-17. Review status: criteria provided, single submitter. Criteria: ACMG Guidelines, 2015. Collection method: clinical testing. Allele origin: germline.
Comment: The PLXNA4 c.1441A>G variant is predicted to result in the amino acid substitution p.Thr481Ala. To our knowledge, this variant has not been reported in the literature or in a large population database (gnomAD), indicating this variant is rare. In the NM_020911 transcript this variant is deep intronic (c.1372-87004A>G). At this time, the clinical significance of this variant is uncertain due to the absence of conclusive functional and genetic evidence.